The following is an entry in ClinVar:

NM_001206927.2(DNAH8):c.5076G>T (p.Gln1692His)

Gene: DNAH8 (dynein axonemal heavy chain 8; plus strand). Cytogenetic location: 6p21.2.
Variant type: single nucleotide variant.
Coding change: c.5076G>T on transcript NM_001206927.2 (MANE Select); coding-DNA position 5076, G replaced by T.
Protein change: p.Gln1692His; replaces glutamine 1692 with histidine.
Molecular consequence: missense variant.
Genome position (GRCh38, 1-based): chr6:38,848,678, G>T. VCF-style: chr6-38848678-G-T. GRCh37 (hg19) VCF-style: chr6-38816454-G-T.
Other names: c.4425G>T, p.Gln1475His (NM_001371.4); short protein forms Q1475H, Q1692H.
Identifiers: ClinVar variation 3671776 (VCV003671776.2).
Genomic context (GRCh38, chr6:38,848,678, plus strand): 5'-AATGTGATTTTTTCCGTTCTTACCTTTTAGATACAATGCTCCATTTAAAAAAAATATCCA[G>T]AATTGGGTGTATAAATTGTCCACTTCCTCAGATATAATTGAAGAGTGGCTCGTAGTACAG-3'
Protein context (NP_001193856.1, residues 1682-1702): RYNAPFKKNI[Gln1692His]NWVYKLSTSS

ClinVar aggregate classification (germline): Uncertain significance (1 of 4 stars; one submission).

Conditions:
Primary ciliary dyskinesia. Also called: Ciliary dyskinesia. Identifiers: Orphanet 244, MedGen C0008780, MONDO:0016575, HP:0012265.

Submission:

Labcorp Genetics (formerly Invitae), Labcorp
Classification: Uncertain significance for Primary ciliary dyskinesia. Last evaluated: 2025-02-11. Review status: criteria provided, single submitter. Criteria: Invitae Variant Classification Sherloc (09022015). Collection method: clinical testing. Allele origin: germline.
Comment: This sequence change replaces glutamine, which is neutral and polar, with histidine, which is basic and polar, at codon 1692 of the DNAH8 protein (p.Gln1692His). This variant is not present in population databases (gnomAD no frequency). This variant has not been reported in the literature in individuals affected with DNAH8-related conditions. Invitae Evidence Modeling of protein sequence and biophysical properties (such as structural, functional, and spatial information, amino acid conservation, physicochemical variation, residue mobility, and thermodynamic stability) indicates that this missense variant is not expected to disrupt DNAH8 protein function with a negative predictive value of 80%. Algorithms developed to predict the effect of sequence changes on RNA splicing suggest that this variant may disrupt the consensus splice site. In summary, the available evidence is currently insufficient to determine the role of this variant in disease. Therefore, it has been classified as a Variant of Uncertain Significance.